The following is an entry in ClinVar:

NM_182641.4(BPTF):c.6046A>G (p.Thr2016Ala)

Gene: BPTF (bromodomain PHD finger transcription factor; plus strand). Cytogenetic location: 17q24.2.
Variant type: single nucleotide variant.
Coding change: c.6046A>G on transcript NM_182641.4 (MANE Select); coding-DNA position 6046, A replaced by G.
Protein change: p.Thr2016Ala; replaces threonine 2016 with alanine.
Molecular consequence: missense variant.
Genome position (GRCh38, 1-based): chr17:67,929,383, A>G. VCF-style: chr17-67929383-A-G. GRCh37 (hg19) VCF-style: chr17-65925499-A-G.
Other names: c.6424A>G, p.Thr2142Ala (NM_004459.7); short protein forms T2016A, T2142A.
Identifiers: ClinVar variation 3764135 (VCV003764135.1).

ClinVar aggregate classification (germline): Uncertain significance (1 of 4 stars; one submission).

gnomAD v4.1: 1 of 1,614,180 alleles (0.000062%); no homozygotes.

Submission:

GeneDx
Classification: Uncertain significance. Last evaluated: 2024-08-22. Review status: criteria provided, single submitter. Criteria: GeneDx Variant Classification Process June 2021. Collection method: clinical testing. Allele origin: germline. Affected: yes.
Comment: Not observed at significant frequency in large population cohorts (gnomAD); In silico analysis supports that this missense variant has a deleterious effect on protein structure/function; Has not been previously published as pathogenic or benign to our knowledge